The following is an entry in ClinVar:

ClinVar aggregate classification (germline): Uncertain significance. Review status: criteria provided, multiple submitters, no conflicts (2 of 4 stars). 3 submissions from 3 submitters: Uncertain significance (3). Last evaluated 2025-08-09.

Conditions:
Ataxia-telangiectasia-like disorder (ATLD). Identifiers: MedGen C1858391, MONDO:0011457.
Hereditary cancer-predisposing syndrome. Also called: Hereditary neoplastic syndrome; Neoplastic Syndromes, Hereditary; Hereditary Cancer Syndrome; Tumor predisposition. Identifiers: Orphanet 140162, MedGen C0027672, MeSH D009386, MONDO:0015356.

Allele frequency attached by ClinVar (database versions not stated): TOPMed 0.00001.
gnomAD v4.1: 4 of 1,611,580 alleles (0.00025%); highest among the groups gnomAD compares: Non-Finnish European, 0.00034%; no homozygotes.

Submissions (3):

Ambry Genetics
Classification: Uncertain significance for Hereditary cancer-predisposing syndrome. Last evaluated: 2025-08-09. Review status: criteria provided, single submitter. Criteria: Ambry Variant Classification Scheme 2023. Collection method: clinical testing. Allele origin: germline.
Comment: The p.R364G variant (also known as c.1090C>G), located in coding exon 9 of the MRE11A gene, results from a C to G substitution at nucleotide position 1090. The arginine at codon 364 is replaced by glycine, an amino acid with dissimilar properties. This amino acid position is highly conserved in available vertebrate species. In addition, this alteration is predicted to be deleterious by in silico analysis. Since supporting evidence is limited at this time, the clinical significance of this alteration remains unclear.

Labcorp Genetics (formerly Invitae), Labcorp
Classification: Uncertain significance for Ataxia-telangiectasia-like disorder. Last evaluated: 2021-04-09. Review status: criteria provided, single submitter. Criteria: Invitae Variant Classification Sherloc (09022015). Collection method: clinical testing. Allele origin: germline.
Comment: In summary, the available evidence is currently insufficient to determine the role of this variant in disease. Therefore, it has been classified as a Variant of Uncertain Significance. Algorithms developed to predict the effect of missense changes on protein structure and function (SIFT, PolyPhen-2, Align-GVGD) all suggest that this variant is likely to be disruptive, but these predictions have not been confirmed by published functional studies and their clinical significance is uncertain. This sequence change replaces arginine with glycine at codon 364 of the MRE11 protein (p.Arg364Gly). The arginine residue is highly conserved and there is a moderate physicochemical difference between arginine and glycine. This variant is present in population databases (rs371077728, ExAC 0.001%). This variant has not been reported in the literature in individuals with MRE11-related conditions. ClinVar contains an entry for this variant (Variation ID: 127968).

GeneDx
Classification: Uncertain significance. Last evaluated: 2014-03-13. Review status: criteria provided, single submitter. Criteria: GeneDx Variant Classification (06012015). Collection method: clinical testing. Allele origin: germline. Affected: yes.
Comment: MRE11A has been only recently described in association with cancer predisposition and the risks are not well understood. This variant is denoted MRE11A c.1090C>G at the cDNA level, p.Arg364Gly (R364G) at the protein level, and results in the change of an Arginine to a Glycine (CGA>GGA). This variant has not, to our knowledge, been published in the literature as pathogenic or benign. MRE11A Arg364Gly was not observed in approximately 6,500 individuals of European and African American ancestry in the NHLBI Exome Sequencing Project, indicating it is not a common benign variant in these populations. Since Arginine and Glycine differ in polarity, charge, size or other properties, this is considered a non-conservative amino acid substitution and is likely to affect secondary protein structure. MRE11A Arg364Gly occurs at a position that is fully conserved across species and is not located in a known functional domain. In silico analyses predict that this variant is probably damaging to protein structure and function. On a molecular level, the impact of this missense variant on protein structure and function is not known and thus we consider this to be a variant of uncertain significance. Furthermore, based on the currently available information, cancer risks associated with this variant, and the MRE11A gene, remain unclear.

NM_005591.4(MRE11):c.1090C>G (p.Arg364Gly)

Gene: MRE11 (MRE11 double strand break repair nuclease; minus strand). Cytogenetic location: 11q21.
Variant type: single nucleotide variant.
Coding change: c.1090C>G on transcript NM_005591.4 (MANE Select); coding-DNA position 1090, C replaced by G.
Protein change: p.Arg364Gly; replaces arginine 364 with glycine.
Molecular consequence: missense variant.
Genome position (GRCh38, 1-based): chr11:94,467,821, G>C on the plus strand (C>G on the coding strand, the complement: MRE11 is on the minus strand). VCF-style: chr11-94467821-G-C. GRCh37 (hg19) VCF-style: chr11-94200987-G-C.
Other names: p.R364G:CGA>GGA; c.1090C>G, p.Arg364Gly (NM_001330347.2, NM_005590.4); short protein forms R364G.
Identifiers: ClinVar variation 127968 (VCV000127968.15), dbSNP rs371077728, ClinGen allele CA288158.